The following is an entry in ClinVar:

ClinVar aggregate classification (germline): Likely benign. Review status: criteria provided, multiple submitters, no conflicts (2 of 4 stars). 2 submissions from 2 submitters: Likely benign (2). Last evaluated 2024-03-01.

Submissions (2):

Women's Health and Genetics/Laboratory Corporation of America, LabCorp
Classification: Likely benign. Last evaluated: 2024-03-01. Review status: criteria provided, single submitter. Criteria: LabCorp Variant Classification Summary - May 2015. Collection method: clinical testing. Allele origin: germline.
Comment: Variant summary: NKX2-1 c.825G>T alters a non-conserved nucleotide resulting in a synonymous change. Consensus agreement among computation tools predict no significant impact on normal splicing. However, these predictions have yet to be confirmed by functional studies. The variant allele was found at a frequency of 3.4e-05 in 148658 control chromosomes (gnomAD). The available data on variant occurrences in the general population are insufficient to allow any conclusion about variant significance. To our knowledge, no occurrence of c.825G>T in individuals affected with Chorea, Hereditary Benign and no experimental evidence demonstrating its impact on protein function have been reported. ClinVar contains an entry for this variant (Variation ID: 2739200). Based on the evidence outlined above, the variant was classified as likely benign.

Labcorp Genetics (formerly Invitae), Labcorp
Classification: Likely benign. Last evaluated: 2023-07-28. Review status: criteria provided, single submitter. Criteria: Invitae Variant Classification Sherloc (09022015). Collection method: clinical testing. Allele origin: germline.

NM_001079668.3(NKX2-1):c.825G>T (p.Pro275=)

Genes: NKX2-1 (NK2 homeobox 1; minus strand), SFTA3 (surfactant associated 3; minus strand). Cytogenetic location: 14q13.3.
Variant type: single nucleotide variant.
Coding change: c.825G>T on transcript NM_001079668.3 (MANE Select); coding-DNA position 825, G replaced by T.
Protein change: p.Pro275=; no amino-acid change (proline 275 retained).
Molecular consequence: synonymous variant.
Genome position (GRCh38, 1-based): chr14:36,517,659, C>A on the plus strand (G>T on the coding strand, the complement: NKX2-1 is on the minus strand). VCF-style: chr14-36517659-C-A. GRCh37 (hg19) VCF-style: chr14-36986864-C-A.
Other names: c.735G>T, p.Pro245= (NM_003317.4).
Identifiers: ClinVar variation 2739200 (VCV002739200.5), dbSNP rs1239756649, ClinGen allele CA486096185.